The following is an entry in ClinVar:

NM_138694.4(PKHD1):c.6150T>A (p.Cys2050Ter)

Gene: PKHD1 (PKHD1 ciliary IPT domain containing fibrocystin/polyductin; minus strand). Cytogenetic location: 6p12.2.
Variant type: single nucleotide variant.
Coding change: c.6150T>A on transcript NM_138694.4 (MANE Select); coding-DNA position 6150, T replaced by A.
Protein change: p.Cys2050Ter; replaces cysteine 2050 with a stop codon.
Molecular consequence: nonsense.
Genome position (GRCh38, 1-based): chr6:51,912,548, A>T on the plus strand (T>A on the coding strand, the complement: PKHD1 is on the minus strand). VCF-style: chr6-51912548-A-T. GRCh37 (hg19) VCF-style: chr6-51777346-A-T.
Other names: c.6150T>A, p.Cys2050Ter (NM_170724.3); short protein forms C2050*.
Identifiers: ClinVar variation 4816712 (VCV004816712.1).

ClinVar aggregate classification (germline): Likely pathogenic (1 of 4 stars; one submission).

Conditions:
Autosomal recessive polycystic kidney disease (ARPKD). Also called: AR polycystic kidney disease. Identifiers: Orphanet 731, Orphanet 8378, MedGen C0085548, MeSH D017044, MONDO:0009889.

Submission:

Natera, Inc.
Classification: Likely pathogenic for Autosomal recessive polycystic kidney disease. Last evaluated: 2024-08-22. Review status: criteria provided, single submitter. Criteria: Natera Variant Classification Schema (03/2026). Collection method: clinical testing. Allele origin: germline.
Comment: The c.6150T>A variant in PKHD1 is a nonsense variant predicted to introduce a stop codon at amino acid 2050. This variant is expected to result in nonsense mediated decay, truncation, or a dysfunctional protein product. This variant is rare in the general population with a frequency below the threshold expected for the associated phenotype(s). Given the available evidence, this variant is classified as Likely Pathogenic.